The following is an entry in ClinVar:

NM_017934.7(PHIP):c.4206G>T (p.Arg1402Ser)

Genes: IRAK1BP1 (interleukin 1 receptor associated kinase 1 binding protein 1; plus strand), PHIP (pleckstrin homology domain interacting protein; minus strand). Cytogenetic location: 6q14.1.
Variant type: single nucleotide variant.
Coding change: c.4206G>T on transcript NM_017934.7 (MANE Select); coding-DNA position 4206, G replaced by T.
Protein change: p.Arg1402Ser; replaces arginine 1402 with serine.
Molecular consequence: missense variant.
Genome position (GRCh38, 1-based): chr6:78,947,623, C>A on the plus strand (G>T on the coding strand, the complement: PHIP is on the minus strand). VCF-style: chr6-78947623-C-A. GRCh37 (hg19) VCF-style: chr6-79657340-C-A.
Other names: short protein forms R1402S.
Identifiers: ClinVar variation 432452 (VCV000432452.2), dbSNP rs1363133370, ClinGen allele CA364639992.

ClinVar aggregate classification (germline): Likely pathogenic (1 of 4 stars; one submission).

Submission:

GeneDx
Classification: Likely pathogenic. Last evaluated: 2017-06-05. Review status: criteria provided, single submitter. Criteria: GeneDx Variant Classification (06012015). Collection method: clinical testing. Allele origin: germline. Affected: yes.
Comment: The R1402S variant in the PHIP gene has not been reported previously as a pathogenic variant, nor as a benign variant, to our knowledge. The R1402S variant is not observed in large population cohorts (Lek et al., 2016; 1000 Genomes Consortium et al., 2015; Exome Variant Server). The R1402S variant is a semi-conservative amino acid substitution, which may impact secondary protein structure as these residues differ in some properties. This substitution occurs at a position that is conserved across species, and in silico analysis predicts this variant is probably damaging to the protein structure/function. We interpret R1402S as a likely pathogenic variant.